The following is an entry in ClinVar:

NM_004795.4(KL):c.1837C>A (p.His613Asn)

Gene: KL (klotho; plus strand). Cytogenetic location: 13q13.1.
Variant type: single nucleotide variant.
Coding change: c.1837C>A on transcript NM_004795.4 (MANE Select); coding-DNA position 1837, C replaced by A.
Protein change: p.His613Asn; replaces histidine 613 with asparagine.
Molecular consequence: missense variant.
Genome position (GRCh38, 1-based): chr13:33,060,916, C>A. VCF-style: chr13-33060916-C-A. GRCh37 (hg19) VCF-style: chr13-33635053-C-A.
Other names: short protein forms H613N.
Identifiers: ClinVar variation 3666853 (VCV003666853.2).

ClinVar aggregate classification (germline): Uncertain significance (1 of 4 stars; one submission).

gnomAD v4.1: 2 of 1,614,060 alleles (0.00012%); highest among the groups gnomAD compares: Middle Eastern, 0.016%; no homozygotes.

Submission:

Labcorp Genetics (formerly Invitae), Labcorp
Classification: Uncertain significance. Last evaluated: 2025-05-23. Review status: criteria provided, single submitter. Criteria: Invitae Variant Classification Sherloc (09022015). Collection method: clinical testing. Allele origin: germline.
Comment: This sequence change replaces histidine, which is basic and polar, with asparagine, which is neutral and polar, at codon 613 of the KL protein (p.His613Asn). This variant is not present in population databases (gnomAD no frequency). This variant has not been reported in the literature in individuals affected with KL-related conditions. ClinVar contains an entry for this variant (Variation ID: 3666853). Invitae Evidence Modeling of protein sequence and biophysical properties (such as structural, functional, and spatial information, amino acid conservation, physicochemical variation, residue mobility, and thermodynamic stability) indicates that this missense variant is not expected to disrupt KL protein function with a negative predictive value of 80%. In summary, the available evidence is currently insufficient to determine the role of this variant in disease. Therefore, it has been classified as a Variant of Uncertain Significance.